The following is an entry in ClinVar:

ClinVar aggregate classification (germline): Uncertain significance (1 of 4 stars; one submission).

Submission:

Labcorp Genetics (formerly Invitae), Labcorp
Classification: Uncertain significance. Last evaluated: 2025-06-23. Review status: criteria provided, single submitter. Criteria: Invitae Variant Classification Sherloc (09022015). Collection method: clinical testing. Allele origin: germline.
Comment: This sequence change replaces arginine, which is basic and polar, with cysteine, which is neutral and slightly polar, at codon 148 of the CLTC protein (p.Arg148Cys). This variant is not present in population databases (gnomAD no frequency). This variant has not been reported in the literature in individuals affected with CLTC-related conditions. ClinVar contains an entry for this variant (Variation ID: 2743923). Invitae Evidence Modeling of protein sequence and biophysical properties (such as structural, functional, and spatial information, amino acid conservation, physicochemical variation, residue mobility, and thermodynamic stability) indicates that this missense variant is expected to disrupt CLTC protein function with a positive predictive value of 80%. In summary, the available evidence is currently insufficient to determine the role of this variant in disease. Therefore, it has been classified as a Variant of Uncertain Significance.

NM_004859.4(CLTC):c.430C>T (p.Arg144Cys)

Gene: CLTC (clathrin heavy chain; plus strand). Cytogenetic location: 17q23.1.
Variant type: single nucleotide variant.
Coding change: c.430C>T on transcript NM_004859.4 (MANE Select); coding-DNA position 430, C replaced by T.
Protein change: p.Arg144Cys; replaces arginine 144 with cysteine.
Molecular consequence: missense variant.
Genome position (GRCh38, 1-based): chr17:59,647,577, C>T. VCF-style: chr17-59647577-C-T. GRCh37 (hg19) VCF-style: chr17-57724938-C-T.
Other names: c.442C>T, p.Arg148Cys (NM_001288653.2); short protein forms R144C, R148C.
Identifiers: ClinVar variation 2743923 (VCV002743923.3), dbSNP rs2509361532, ClinGen allele CA400420205.